The following is an entry in ClinVar:

NM_006420.3(ARFGEF2):c.3608C>T (p.Ala1203Val)

Gene: ARFGEF2 (ARF guanine nucleotide exchange factor 2; plus strand). Cytogenetic location: 20q13.13.
Variant type: single nucleotide variant.
Coding change: c.3608C>T on transcript NM_006420.3 (MANE Select); coding-DNA position 3608, C replaced by T.
Protein change: p.Ala1203Val; replaces alanine 1203 with valine.
Molecular consequence: missense variant.
Genome position (GRCh38, 1-based): chr20:49,010,255, C>T. VCF-style: chr20-49010255-C-T. GRCh37 (hg19) VCF-style: chr20-47626792-C-T.
Other names: c.3605C>T, p.Ala1202Val (NM_001410846.1); short protein forms A1202V, A1203V.
Identifiers: ClinVar variation 1706966 (VCV001706966.2), dbSNP rs760639976, ClinGen allele CA9898994.

ClinVar aggregate classification (germline): Uncertain significance (1 of 4 stars; one submission).

Allele frequency attached by ClinVar (database versions not stated): gnomAD exomes 0.00002; ExAC 0.00003.
gnomAD v4.1: 23 of 1,614,068 alleles (0.0014%); highest among the groups gnomAD compares: East Asian, 0.016%; no homozygotes.

Submission:

GeneDx
Classification: Uncertain significance. Last evaluated: 2022-09-14. Review status: criteria provided, single submitter. Criteria: GeneDx Variant Classification Process June 2021. Collection method: clinical testing. Allele origin: germline. Affected: yes.
Comment: In silico analysis supports that this missense variant does not alter protein structure/function; Has not been previously published as pathogenic or benign to our knowledge